The following is an entry in ClinVar:

NM_001201543.2(FAM161A):c.1583+1G>A

Gene: FAM161A (FAM161 centrosomal protein A; minus strand). Cytogenetic location: 2p15.
Variant type: single nucleotide variant.
Coding change: c.1583+1G>A on transcript NM_001201543.2 (MANE Select); the canonical splice donor site of the intron after coding-DNA position 1583, G replaced by A.
Molecular consequence: splice donor variant.
Genome position (GRCh38, 1-based): chr2:61,839,420, C>T on the plus strand (G>A on the coding strand, the complement: FAM161A is on the minus strand). VCF-style: chr2-61839420-C-T. GRCh37 (hg19) VCF-style: chr2-62066555-C-T.
Other names: c.1583+1G>A (NM_032180.3).
Identifiers: ClinVar variation 1494534 (VCV001494534.6), dbSNP rs781661338, ClinGen allele CA1679114.

ClinVar aggregate classification (germline): Likely pathogenic (1 of 4 stars; one submission).

Allele frequency attached by ClinVar (database versions not stated): gnomAD exomes below 0.00001; ExAC 0.00001.
gnomAD v4.1: 1 of 1,614,190 alleles (0.000062%); no homozygotes.

Submission:

Labcorp Genetics (formerly Invitae), Labcorp
Classification: Likely pathogenic. Last evaluated: 2021-11-26. Review status: criteria provided, single submitter. Criteria: Invitae Variant Classification Sherloc (09022015). Collection method: clinical testing. Allele origin: germline.
Comment: This sequence change affects a donor splice site in intron 3 of the FAM161A gene. It is expected to disrupt RNA splicing. Variants that disrupt the donor or acceptor splice site typically lead to a loss of protein function (PMID: 16199547), and loss-of-function variants in FAM161A are known to be pathogenic (PMID: 20705278, 20705279, 24651477). This variant is present in population databases (rs781661338, gnomAD 0.0009%). This variant has not been reported in the literature in individuals affected with FAM161A-related conditions. Algorithms developed to predict the effect of sequence changes on RNA splicing suggest that this variant may disrupt the consensus splice site. In summary, the currently available evidence indicates that the variant is pathogenic, but additional data are needed to prove that conclusively. Therefore, this variant has been classified as Likely Pathogenic.

Literature cited by the submitters: PubMed 16199547; PubMed 20705278; PubMed 20705279; PubMed 24651477.